The following is an entry in ClinVar:

ClinVar aggregate classification (germline): Uncertain significance (0 of 4 stars; one submission).

Conditions:
KCNH1-related disorder. Also called: KCNH1-related disorders; KCNH1-related condition.

Submission:

PreventionGenetics, part of Exact Sciences
Classification: Uncertain significance for KCNH1-related condition. Last evaluated: 2024-07-30. Review status: no assertion criteria provided. Collection method: clinical testing. Allele origin: germline.
Comment: The KCNH1 c.217G>A variant is predicted to result in the amino acid substitution p.Glu73Lys. To our knowledge, this variant has not been reported in the literature or in a large population database, indicating this variant is rare. At this time, the clinical significance of this variant is uncertain due to the absence of conclusive functional and genetic evidence.

NM_172362.3(KCNH1):c.217G>A (p.Glu73Lys)

Gene: KCNH1 (potassium voltage-gated channel subfamily H member 1; minus strand). Cytogenetic location: 1q32.2.
Variant type: single nucleotide variant.
Coding change: c.217G>A on transcript NM_172362.3 (MANE Select); coding-DNA position 217, G replaced by A.
Protein change: p.Glu73Lys; replaces glutamic acid 73 with lysine.
Molecular consequence: missense variant.
Genome position (GRCh38, 1-based): chr1:211,103,589, C>T on the plus strand (G>A on the coding strand, the complement: KCNH1 is on the minus strand). VCF-style: chr1-211103589-C-T. GRCh37 (hg19) VCF-style: chr1-211276931-C-T.
Other names: c.217G>A, p.Glu73Lys (NM_002238.4); short protein forms E73K.
Identifiers: ClinVar variation 3353774 (VCV003353774.1).
Genomic context (GRCh38, chr1:211,103,589, plus strand): 5'-TCATCTCATAGTTCTCAAATGTTTGCCGCACTTTTTCAATCGTGTCTTTATCAGTCAGCT[C>T]CCCATACATAAAACTGCAAACAACCAAAGAACTCAAGTTAGATTAAGAAGTATTCATTAT-3'
Protein context (NP_758872.1, residues 63-83): KSSTCSFMYG[Glu73Lys]LTDKDTIEKV